The following is an entry in ClinVar:

NM_007078.3(LDB3):c.676G>A (p.Gly226Arg)

Gene: LDB3 (LIM domain binding 3; plus strand). Cytogenetic location: 10q23.2.
Variant type: single nucleotide variant.
Coding change: c.676G>A on transcript NM_007078.3 (MANE Select); coding-DNA position 676, G replaced by A.
Protein change: p.Gly226Arg; replaces glycine 226 with arginine.
Molecular consequence: missense variant. On other transcripts: intron variant (5).
Genome position (GRCh38, 1-based): chr10:86,681,790, G>A. VCF-style: chr10-86681790-G-A. GRCh37 (hg19) VCF-style: chr10-88441547-G-A.
Other names: c.321+1633G>A (NM_001080116.1, NM_001368068.1, NM_001368066.1 and 2 more transcripts); c.676G>A (NM_007078.2); c.676G>A, p.Gly226Arg (NM_001080115.2, NM_001171610.2, NM_001171611.2 and 3 more transcripts); short protein forms G226R.
Identifiers: ClinVar variation 698920 (VCV000698920.17), dbSNP rs771099131, ClinGen allele CA5584761.

ClinVar aggregate classification (germline): Uncertain significance. Review status: criteria provided, multiple submitters, no conflicts (2 of 4 stars). 4 submissions from 4 submitters: Uncertain significance (2). 2 of the submissions do not count toward it. Last evaluated 2025-06-15.

Conditions:
Cardiovascular phenotype. Identifiers: MedGen CN230736.
Myofibrillar myopathy 4. Also called: Zaspopathy (type). Identifiers: Orphanet 98912, MedGen C4721886, MONDO:0012277, OMIM 609452.

Allele frequency attached by ClinVar (database versions not stated): TOPMed 0.00003; gnomAD exomes 0.00004; ExAC 0.00005; gnomAD 0.00005 and 0.00006.
gnomAD v4.1: 33 of 1,595,024 alleles (0.0021%); highest among the groups gnomAD compares: East Asian, 0.02%; no homozygotes.

Submissions (4):

Labcorp Genetics (formerly Invitae), Labcorp
Classification: Uncertain significance for Myofibrillar myopathy 4. Last evaluated: 2025-06-15. Review status: criteria provided, single submitter. Criteria: Invitae Variant Classification Sherloc (09022015). Collection method: clinical testing. Allele origin: germline.
Comment: The LDB3 gene has multiple clinically relevant transcripts. This variant occurs in alternate transcript NM_007078.3, and corresponds to NM_001080116.1:c.321+1633G>A in the primary transcript. This sequence change replaces glycine, which is neutral and non-polar, with arginine, which is basic and polar, at codon 226 of the LDB3 protein (p.Gly226Arg). This variant is present in population databases (rs771099131, gnomAD 0.02%). This variant has not been reported in the literature in individuals affected with LDB3-related conditions. ClinVar contains an entry for this variant (Variation ID: 698920). Experimental studies and prediction algorithms are not available or were not evaluated, and the functional significance of this variant is currently unknown. Algorithms developed to predict the effect of sequence changes on RNA splicing suggest that this variant is not likely to affect RNA splicing. In summary, the available evidence is currently insufficient to determine the role of this variant in disease. Therefore, it has been classified as a Variant of Uncertain Significance.

Ambry Genetics
Classification: Uncertain significance for Cardiovascular phenotype. Last evaluated: 2025-03-18. Review status: criteria provided, single submitter. Criteria: Ambry Variant Classification Scheme 2023. Collection method: clinical testing. Allele origin: germline.
Comment: The p.G226R variant (also known as c.676G>A), located in coding exon 4 of the LDB3 gene, results from a G to A substitution at nucleotide position 676. The glycine at codon 226 is replaced by arginine, an amino acid with dissimilar properties. This alteration has been reported in a pediatric dilated cardiomyopathy (DCM) cohort (Herkert JC et al. Genet Med, 2018 11;20:1374-1386). This amino acid position is well conserved in available vertebrate species. In addition, the in silico prediction for this alteration is inconclusive. Since supporting evidence is limited at this time, the clinical significance of this alteration remains unclear.

Diagnostic Laboratory, Department of Genetics, University Medical Center Groningen
Classification: Uncertain significance. Review status: no assertion criteria provided. Collection method: clinical testing. Allele origin: germline. Affected: yes. Study: VKGL Data-share Consensus. Not counted in ClinVar's aggregate classification.

Genome Diagnostics Laboratory, University Medical Center Utrecht
Classification: Uncertain significance. Review status: no assertion criteria provided. Collection method: clinical testing. Allele origin: germline. Affected: yes. Study: VKGL Data-share Consensus. Not counted in ClinVar's aggregate classification.

Literature cited by the submitters: PubMed 29517769 (cited by Ambry Genetics).